The following is an entry in ClinVar:

ClinVar aggregate classification (germline): Likely benign. Review status: criteria provided, multiple submitters, no conflicts (2 of 4 stars). 2 submissions from 2 submitters: Likely benign (2). Last evaluated 2022-01-15.

Submissions (2):

Labcorp Genetics (formerly Invitae), Labcorp
Classification: Likely benign. Last evaluated: 2022-01-15. Review status: criteria provided, single submitter. Criteria: Invitae Variant Classification Sherloc (09022015). Collection method: clinical testing. Allele origin: germline.

GeneDx
Classification: Likely benign. Last evaluated: 2017-01-17. Review status: criteria provided, single submitter. Criteria: GeneDx Variant Classification (06012015). Collection method: clinical testing. Allele origin: germline. Affected: yes.
Comment: This variant is considered likely benign or benign based on one or more of the following criteria: it is a conservative change, it occurs at a poorly conserved position in the protein, it is predicted to be benign by multiple in silico algorithms, and/or has population frequency not consistent with disease.

NM_001184.4(ATR):c.6898-15C>T

Gene: ATR (ATR checkpoint kinase; minus strand). Cytogenetic location: 3q23.
Variant type: single nucleotide variant.
Coding change: c.6898-15C>T on transcript NM_001184.4 (MANE Select); 15 bases into the intron before coding-DNA position 6898, C replaced by T.
Molecular consequence: intron variant.
Genome position (GRCh38, 1-based): chr3:142,465,255, G>A on the plus strand (C>T on the coding strand, the complement: ATR is on the minus strand). VCF-style: chr3-142465255-G-A. GRCh37 (hg19) VCF-style: chr3-142184097-G-A.
Other names: c.6706-15C>T (NM_001354579.2).
Identifiers: ClinVar variation 393106 (VCV000393106.5), dbSNP rs1057524789, ClinGen allele CA16604477.